The following is an entry in ClinVar:

NM_002693.3(POLG):c.3637C>T (p.Pro1213Ser)

Genes: FANCI (FA complementation group I; plus strand), POLG (DNA polymerase gamma, catalytic subunit; minus strand). Cytogenetic location: 15q26.1.
Variant type: single nucleotide variant.
Coding change: c.3637C>T on transcript NM_002693.3 (MANE Select); coding-DNA position 3637, C replaced by T.
Protein change: p.Pro1213Ser; replaces proline 1213 with serine.
Molecular consequence: missense variant.
Genome position (GRCh38, 1-based): chr15:89,317,382, G>A on the plus strand (C>T on the coding strand, the complement: POLG is on the minus strand). VCF-style: chr15-89317382-G-A. GRCh37 (hg19) VCF-style: chr15-89860613-G-A.
Other names: c.3637C>T, p.Pro1213Ser (NM_001126131.2); short protein forms P1213S.
Identifiers: ClinVar variation 870409 (VCV000870409.4), dbSNP rs2055307106, ClinGen allele CA393747200.

ClinVar aggregate classification (germline): Uncertain significance. Review status: criteria provided, multiple submitters, no conflicts (2 of 4 stars). 2 submissions from 2 submitters: Uncertain significance (2). Last evaluated 2025-12-17.

Conditions:
Progressive sclerosing poliodystrophy (MTDPS4A). Also called: Mitochondrial DNA depletion syndrome 4A (Alpers type); ALPERS PROGRESSIVE INFANTILE POLIODYSTROPHY; NEURONAL DEGENERATION OF CHILDHOOD WITH LIVER DISEASE, PROGRESSIVE; Alpers Syndrome; Mitochondrial DNA Depletion Syndrome 4A; Alpers-Huttenlocher Syndrome (AHS). Identifiers: Orphanet 726, MedGen C0205710, MONDO:0008758, OMIM 203700.

Submissions (2):

GeneDx
Classification: Uncertain significance. Last evaluated: 2025-12-17. Review status: criteria provided, single submitter. Criteria: GeneDx Variant Classification Process June 2021. Collection method: clinical testing. Allele origin: germline. Affected: yes.
Comment: Not observed at significant frequency in large population cohorts (gnomAD); In silico analysis supports that this missense variant has a deleterious effect on protein structure/function; Has not been previously published as pathogenic or benign to our knowledge

Victorian Clinical Genetics Services, Murdoch Childrens Research Institute
Classification: Uncertain significance for Progressive sclerosing poliodystrophy. Last evaluated: 2018-12-20. Review status: criteria provided, single submitter. Criteria: ACMG Guidelines, 2015. Collection method: clinical testing. Allele origin: de novo. Affected: yes. Observed: 1 variant allele.
Comment: A heterozygous missense variant, NM_002693.2(POLG):c.3637C>T, has been identified in exon 22 of 23 of the POLG gene. The variant is predicted to result in a moderate amino acid change from proline to serine at position 1213 of the protein (NP_002684.1(POLG):p.(Pro1213Ser)). The proline residue at this position has moderate conservation (100 vertebrates, UCSC), but is not located within a well established functional domain. In silico predictions for this variant are consistently pathogenic (Polyphen, SIFT, CADD, Mutation Taster). The variant is absent in the gnomAD population database however, alternative changes in the same residue to histidine and leucine, have been observed in the gnomAD population database (1-2 heterozygotes). This variant has not been previously reported in clinical cases, however an alternative change in the same codon to a leucine has been reported as a VUS (ClinVar). Analysis of parental samples indicated this variant is de novo. Based on the information available at the time of curation, this variant has been classified as a VARIANT of UNCERTAIN SIGNIFICANCE (VUS).